The following is an entry in ClinVar:

NM_000264.5(PTCH1):c.2596G>A (p.Gly866Arg)

Gene: PTCH1 (patched 1; minus strand). Cytogenetic location: 9q22.32.
Variant type: single nucleotide variant.
Coding change: c.2596G>A on transcript NM_000264.5 (MANE Select); coding-DNA position 2596, G replaced by A.
Protein change: p.Gly866Arg; replaces glycine 866 with arginine.
Molecular consequence: missense variant. On other transcripts: non-coding transcript variant (1).
Genome position (GRCh38, 1-based): chr9:95,461,963, C>T on the plus strand (G>A on the coding strand, the complement: PTCH1 is on the minus strand). VCF-style: chr9-95461963-C-T. GRCh37 (hg19) VCF-style: chr9-98224245-C-T.
Other names: c.2398G>A, p.Gly800Arg (NM_001083602.3); c.2593G>A, p.Gly865Arg (NM_001083603.3); c.2143G>A, p.Gly715Arg (NM_001083604.3, NM_001083605.3, NM_001083606.3 and 1 more transcripts); c.2440G>A, p.Gly814Arg (NM_001354918.2); short protein forms G800R, G865R, G715R, G866R, G814R.
Identifiers: ClinVar variation 821460 (VCV000821460.14), dbSNP rs765578315, ClinGen allele CA5138362.

ClinVar aggregate classification (germline): Conflicting classifications of pathogenicity. Review status: criteria provided, conflicting classifications (1 of 4 stars). 3 submissions from 3 submitters: Uncertain significance (2); Likely benign (1). Last evaluated 2025-12-17.

Conditions:
Hereditary cancer-predisposing syndrome. Also called: Hereditary Cancer Syndrome; Neoplastic Syndromes, Hereditary; Hereditary neoplastic syndrome; Tumor predisposition. Identifiers: Orphanet 140162, MedGen C0027672, MeSH D009386, MONDO:0015356.
Gorlin syndrome. Also called: Nevoid Basal Cell Carcinoma Syndrome; Basal cell nevus syndrome. Identifiers: Orphanet 377, MedGen C0004779, MONDO:0007187.

Allele frequency attached by ClinVar (database versions not stated): TOPMed below 0.00001; ExAC 0.00001; gnomAD 0.00001; gnomAD exomes 0.00001 and 0.00002.
gnomAD v4.1: 20 of 1,614,080 alleles (0.0012%); highest among the groups gnomAD compares: East Asian, 0.0045%; no homozygotes.

Submissions (3):

Labcorp Genetics (formerly Invitae), Labcorp
Classification: Likely benign for Gorlin syndrome. Last evaluated: 2025-12-17. Review status: criteria provided, single submitter. Criteria: Invitae Variant Classification Sherloc (09022015). Collection method: clinical testing. Allele origin: germline.

Ambry Genetics
Classification: Uncertain significance for Hereditary cancer-predisposing syndrome. Last evaluated: 2024-09-01. Review status: criteria provided, single submitter. Criteria: Ambry Variant Classification Scheme 2023. Collection method: clinical testing. Allele origin: germline.
Comment: The p.G866R variant (also known as c.2596G>A), located in coding exon 16 of the PTCH1 gene, results from a G to A substitution at nucleotide position 2596. The glycine at codon 866 is replaced by arginine, an amino acid with dissimilar properties. This amino acid position is highly conserved in available vertebrate species. In addition, this alteration is predicted to be deleterious by in silico analysis. Since supporting evidence is limited at this time, the clinical significance of this alteration remains unclear.

Sema4
Classification: Uncertain significance for Hereditary cancer-predisposing syndrome. Last evaluated: 2022-01-06. Review status: criteria provided, single submitter. Criteria: Sema4 Curation Guidelines. Collection method: curation. Allele origin: germline.
Comment: The PTCH1 c.2596G>A (p.G866R) variant has been reported in an individual with congenital hydrocephalus (PMID: 33077954), but it has not been reported in individuals with a PTCH1-related cancer to our knowledge. It was observed in 3/30616 chromosomes of the South Asian subpopulation in the large and broad cohorts of the Genome Aggregation Database (PMID: 32461654). The variant has been reported in ClinVar (Variation ID: 821460). In silico tools suggest the impact of the variant on protein function is deleterious, though these predictions have not been confirmed by functional studies. The evidence is insufficient to meet ACMG/AMP criteria for classifying the variant as benign or pathogenic. Thus, the clinical significance of this variant is currently uncertain.

Literature cited by the submitters: PubMed 33077954 (cited by Sema4).